The following is an entry in ClinVar:

ClinVar aggregate classification (germline): Likely benign. Review status: criteria provided, single submitter (1 of 4 stars). 2 submissions from 2 submitters: Likely benign (1). 1 of the submissions does not count toward it. Last evaluated 2026-01-25.

Conditions:
NEB-related disorder. Also called: NEB-related condition; NEB-Related Disorders.
Nemaline myopathy 2 (NEM2). Also called: Nemaline myopathy 2, autosomal recessive. Identifiers: MedGen C1850569, MONDO:0009725, OMIM 256030.

Allele frequency attached by ClinVar (database versions not stated): gnomAD below 0.00001 and 0.00001; TOPMed 0.00001; gnomAD exomes 0.00005 and 0.00008; ExAC 0.00009.
gnomAD v4.1: 74 of 1,613,060 alleles (0.0046%); highest among the groups gnomAD compares: South Asian, 0.077%; no homozygotes.

Submissions (2):

Labcorp Genetics (formerly Invitae), Labcorp
Classification: Likely benign for Nemaline myopathy 2. Last evaluated: 2026-01-25. Review status: criteria provided, single submitter. Criteria: Invitae Variant Classification Sherloc (09022015). Collection method: clinical testing. Allele origin: germline.

PreventionGenetics, part of Exact Sciences
Classification: Likely benign for NEB-related condition. Last evaluated: 2022-09-22. Review status: no assertion criteria provided. Collection method: clinical testing. Allele origin: germline. Not counted in ClinVar's aggregate classification.
Comment: This variant is classified as likely benign based on ACMG/AMP sequence variant interpretation guidelines (Richards et al. 2015 PMID: 25741868, with internal and published modifications).

NM_001164508.2(NEB):c.19429-7T>C

Genes: NEB (nebulin; minus strand), LOC126806373 (BRD4-independent group 4 enhancer GRCh37_chr2:152410007-152411206; plus strand). Cytogenetic location: 2q23.3.
Variant type: single nucleotide variant.
Coding change: c.19429-7T>C on transcript NM_001164508.2 (MANE Select); 7 bases into the intron before coding-DNA position 19429, T replaced by C.
Molecular consequence: intron variant.
Genome position (GRCh38, 1-based): chr2:151,554,032, A>G on the plus strand (T>C on the coding strand, the complement: NEB is on the minus strand). VCF-style: chr2-151554032-A-G. GRCh37 (hg19) VCF-style: chr2-152410546-A-G.
Other names: c.14326-7T>C (NM_004543.5); c.19429-7T>C (NM_001164507.2, NM_001271208.2).
Identifiers: ClinVar variation 761269 (VCV000761269.13), dbSNP rs561767644, ClinGen allele CA1907637.